The following is an entry in ClinVar:

ClinVar aggregate classification (germline): Pathogenic/Likely pathogenic. Review status: criteria provided, multiple submitters, no conflicts (2 of 4 stars). 2 submissions from 2 submitters: Pathogenic (1); Likely pathogenic (1). Last evaluated 2024-07-24.

Conditions:
Hereditary cancer-predisposing syndrome. Also called: Hereditary Cancer Syndrome; Hereditary neoplastic syndrome; Tumor predisposition; Neoplastic Syndromes, Hereditary. Identifiers: Orphanet 140162, MedGen C0027672, MeSH D009386, MONDO:0015356.
Familial adenomatous polyposis 1 (FAP1). Also called: FAMILIAL ADENOMATOUS POLYPOSIS 1, ATTENUATED; POLYPOSIS, ADENOMATOUS INTESTINAL. Identifiers: MedGen C2713442, MONDO:0021056, OMIM 175100. Disease mechanism: loss of function.

gnomAD v4.1: 1 of 1,613,758 alleles (0.000062%); highest among the groups gnomAD compares: Non-Finnish European, 0.000085%; no homozygotes.

Submissions (2):

Ambry Genetics
Classification: Likely pathogenic for Hereditary cancer-predisposing syndrome. Last evaluated: 2024-07-24. Review status: criteria provided, single submitter. Criteria: Ambry Variant Classification Scheme 2023. Collection method: clinical testing. Allele origin: germline.
Comment: The p.Y1854* variant (also known as c.5562C>G), located in coding exon 15 of the APC gene, results from a C to G substitution at nucleotide position 5562. This changes the amino acid from a tyrosine to a stop codon within coding exon 15. This alteration occurs at the 3' terminus of theAPC gene, is not expected to trigger nonsense-mediated mRNA decay, and impacts the last 34.9% of the protein. However, premature stop codons are typically deleterious in nature and the impacted region is critical for protein function (Ambry internal data). This variant is considered to be rare based on population cohorts in the Genome Aggregation Database (gnomAD). Based on the majority of available evidence to date, this variant is likely to be pathogenic.

Labcorp Genetics (formerly Invitae), Labcorp
Classification: Pathogenic for Familial adenomatous polyposis 1. Last evaluated: 2022-01-26. Review status: criteria provided, single submitter. Criteria: Invitae Variant Classification Sherloc (09022015). Collection method: clinical testing. Allele origin: germline.
Comment: This sequence change creates a premature translational stop signal (p.Tyr1854*) in the APC gene. While this is not anticipated to result in nonsense mediated decay, it is expected to disrupt the last 990 amino acid(s) of the APC protein. For these reasons, this variant has been classified as Pathogenic. A different truncation (p.Tyr2645Lysfs*14) that lies downstream of this variant has been determined to be pathogenic (PMID: 9824584, 1316610, 27081525, 8381579, 22135120, Invitae). This suggests that deletion of this region of the APC protein is causative of disease. This variant is expected to disrupt the EB1 and HDLG binding sites, which mediate interactions with the cytoskeleton (PMID: 15311282, 17293347). While functional studies have not been performed to directly test the effect on APC protein function, this suggests that disruption of the C-terminal portion of the protein is functionally important. This variant has not been reported in the literature in individuals affected with APC-related conditions. This variant is not present in population databases (gnomAD no frequency).

Literature cited by the submitters: PubMed 9824584 (cited by Labcorp Genetics (formerly Invitae), Labcorp); PubMed 1316610 (cited by Labcorp Genetics (formerly Invitae), Labcorp); PubMed 27081525 (cited by Labcorp Genetics (formerly Invitae), Labcorp); PubMed 8381579 (cited by Labcorp Genetics (formerly Invitae), Labcorp); PubMed 22135120 (cited by Labcorp Genetics (formerly Invitae), Labcorp); PubMed 15311282 (cited by Labcorp Genetics (formerly Invitae), Labcorp); PubMed 17293347 (cited by Labcorp Genetics (formerly Invitae), Labcorp).

NM_000038.6(APC):c.5562C>G (p.Tyr1854Ter)

Gene: APC (APC regulator of Wnt signaling pathway; plus strand). Cytogenetic location: 5q22.2.
Variant type: single nucleotide variant.
Coding change: c.5562C>G on transcript NM_000038.6 (MANE Select); coding-DNA position 5562, C replaced by G.
Protein change: p.Tyr1854Ter; replaces tyrosine 1854 with a stop codon.
Molecular consequence: nonsense.
Genome position (GRCh38, 1-based): chr5:112,841,156, C>G. VCF-style: chr5-112841156-C-G. GRCh37 (hg19) VCF-style: chr5-112176853-C-G.
Other names: c.5562C>G, p.Tyr1854Ter (NM_001127510.3, NM_001354895.2); c.5508C>G, p.Tyr1836Ter (NM_001127511.3); c.5616C>G, p.Tyr1872Ter (NM_001354896.2); c.5592C>G, p.Tyr1864Ter (NM_001354897.2); c.5487C>G, p.Tyr1829Ter (NM_001354898.2); c.5478C>G, p.Tyr1826Ter (NM_001354899.2); c.5439C>G, p.Tyr1813Ter (NM_001354900.2); c.5385C>G, p.Tyr1795Ter (NM_001354901.2); and 6 more; short protein forms Y1826*, Y1872*, Y1753*, Y1763*, Y1836*, Y1571*, Y1829*, Y1854*.
Identifiers: ClinVar variation 1400152 (VCV001400152.7), dbSNP rs2149943308, ClinGen allele CA16033501.